The following is an entry in ClinVar:

NC_000006.11:g.(?_117996834)_(117997268_?)del

Gene: NUS1 (NUS1 dehydrodolichyl diphosphate synthase subunit; plus strand). Cytogenetic location: 6q22.1.
Variant type: Deletion.
Identifiers: ClinVar variation 2427241 (VCV002427241.4).

ClinVar aggregate classification (germline): Pathogenic (1 of 4 stars; one submission).

Conditions:
Congenital disorder of glycosylation, type Iaa. Also called: Congenital disorder of glycosylation, type 1aa. Identifiers: MedGen C4310727, MONDO:0014904, OMIM 617082.

Submission:

Labcorp Genetics (formerly Invitae), Labcorp
Classification: Pathogenic for Congenital disorder of glycosylation, type Iaa. Last evaluated: 2022-10-07. Review status: criteria provided, single submitter. Criteria: Invitae Variant Classification Sherloc (09022015). Collection method: clinical testing. Allele origin: germline.
Comment: For these reasons, this variant has been classified as Pathogenic. This variant has not been reported in the literature in individuals affected with NUS1-related conditions. This variant is a gross deletion of the genomic region encompassing exon(s) 1 of the NUS1 gene, which includes the initiator codon. This deletion extends beyond the assayed region for this gene and therefore may encompass additional genes. It is expected to result in an absent or disrupted protein product. Loss-of-function variants in NUS1 are known to be pathogenic (PMID: 29100083).

Literature cited by the submitters: PubMed 29100083.